The following is an entry in ClinVar:

ClinVar aggregate classification (germline): Uncertain significance. Review status: criteria provided, multiple submitters, no conflicts (2 of 4 stars). 3 submissions from 3 submitters: Uncertain significance (2). 1 of the submissions does not count toward it. Last evaluated 2024-08-14.

Conditions:
Beta-D-mannosidosis (MANSB). Also called: MANNOSIDOSIS, BETA A, LYSOSOMAL; Beta-Mannosidosis; BETA-MANNOSIDASE DEFICIENCY; LYSOSOMAL BETA-MANNOSIDASE DEFICIENCY. Identifiers: Orphanet 118, MedGen C4048196, MONDO:0009562, OMIM 248510.
Intellectual disability. Also called: Intellectual developmental disorder; Intellectual functioning disability; intellectual disabilities. Identifiers: MedGen C3714756, MeSH D008607, MONDO:0001071, HP:0001249.

Allele frequency attached by ClinVar (database versions not stated): gnomAD exomes 0.00007 and 0.00017; ESP Exome Variant Server 0.00008; gnomAD 0.00017; ExAC 0.00012.
gnomAD v4.1: 114 of 1,530,348 alleles (0.0074%); highest among the groups gnomAD compares: Admixed American, 0.0038%; 1 homozygote.

Submissions (4):

Labcorp Genetics (formerly Invitae), Labcorp
Classification: Uncertain significance for Beta-D-mannosidosis. Last evaluated: 2024-08-14. Review status: criteria provided, single submitter. Criteria: Invitae Variant Classification Sherloc (09022015). Collection method: clinical testing. Allele origin: germline.
Comment: This sequence change falls in intron 16 of the MANBA gene. It does not directly change the encoded amino acid sequence of the MANBA protein. It affects a nucleotide within the consensus splice site. The frequency data for this variant in the population databases is considered unreliable, as metrics indicate poor data quality at this position in the gnomAD database. This variant has not been reported in the literature in individuals affected with MANBA-related conditions. ClinVar contains an entry for this variant (Variation ID: 900242). Variants that disrupt the consensus splice site are a relatively common cause of aberrant splicing (PMID: 17576681, 9536098). Algorithms developed to predict the effect of sequence changes on RNA splicing suggest that this variant is not likely to affect RNA splicing. In summary, the available evidence is currently insufficient to determine the role of this variant in disease. Therefore, it has been classified as a Variant of Uncertain Significance.

Illumina Laboratory Services, Illumina
Classification: Uncertain significance for Beta-D-mannosidosis. Last evaluated: 2018-01-13. Review status: criteria provided, single submitter. Criteria: ICSL Variant Classification Criteria 13 December 2019. Collection method: clinical testing. Allele origin: germline.

Centre de Biologie Pathologie Génétique, Centre Hospitalier Universitaire de Lille
Classification: Likely benign for Intellectual disability. Last evaluated: 2019-01-01. Review status: no assertion criteria provided. Collection method: clinical testing. Allele origin: inherited. Affected: yes. Not counted in ClinVar's aggregate classification.

Dr. Peter K. Rogan Lab, Western University
No classification provided (evidence only). Condition: Colon adenocarcinoma. Review status: no classification provided. Collection method: in vitro. Allele origin: not applicable. Functional consequence: retained intron. Not counted in ClinVar's aggregate classification.

Literature cited by the submitters: PubMed 17576681 (cited by Labcorp Genetics (formerly Invitae), Labcorp); PubMed 9536098 (cited by Labcorp Genetics (formerly Invitae), Labcorp).

NM_005908.4(MANBA):c.2416-3C>T

Gene: MANBA (mannosidase beta; minus strand). Cytogenetic location: 4q24.
Variant type: single nucleotide variant.
Coding change: c.2416-3C>T on transcript NM_005908.4 (MANE Select); 3 bases into the intron before coding-DNA position 2416, C replaced by T.
Molecular consequence: intron variant.
Genome position (GRCh38, 1-based): chr4:102,632,284, G>A on the plus strand (C>T on the coding strand, the complement: MANBA is on the minus strand). VCF-style: chr4-102632284-G-A. GRCh37 (hg19) VCF-style: chr4-103553441-G-A.
Identifiers: ClinVar variation 900242 (VCV000900242.8), dbSNP rs375466384, ClinGen allele CA3026616.